The following is an entry in ClinVar:

ClinVar aggregate classification (germline): Likely pathogenic (1 of 4 stars; one submission).

Conditions:
Polycystic kidney disease 4 (PKD4). Also called: POLYCYSTIC KIDNEY AND HEPATIC DISEASE 1; POLYCYSTIC KIDNEY DISEASE, INFANTILE, TYPE I; POLYCYSTIC KIDNEY DISEASE 4 WITH OR WITHOUT POLYCYSTIC LIVER DISEASE; PKD3; Autosomal Recessive Polycystic Kidney Disease – PKHD1. Identifiers: MedGen C4540575, MONDO:0033004, OMIM 263200.

Submission:

Myriad Genetics, Inc.
Classification: Likely pathogenic for Polycystic kidney disease 4. Last evaluated: 2021-12-16. Review status: criteria provided, single submitter. Criteria: Myriad Women's Health Autosomal Recessive and X-Linked Classification Criteria (2021). Collection method: clinical testing. Allele origin: unknown.
Comment: NM_138694.3(PKHD1):c.1216delG(E406Rfs*7) is expected to be pathogenic in the context of autosomal recessive polycystic kidney disease, PKHD1-related. This variant is predicted to lead to an abnormal or absent protein product due to the creation of a premature termination codon in PKHD1, a gene where loss-of-function variants are known to be pathogenic. Please note: this variant was assessed in the context of healthy population screening.

NM_138694.4(PKHD1):c.1216del (p.Glu406fs)

Gene: PKHD1 (PKHD1 ciliary IPT domain containing fibrocystin/polyductin; minus strand). Cytogenetic location: 6p12.2.
Variant type: Deletion.
Coding change: c.1216del on transcript NM_138694.4 (MANE Select); coding-DNA position 1216, one base deleted (G; older notation c.1216delG).
Protein change: p.Glu406fs; shifts the reading frame from glutamic acid 406.
Molecular consequence: frameshift variant.
Genome position (GRCh38, 1-based): chr6:52,059,945, C deleted on the plus strand (G on the coding strand, the reverse complement: PKHD1 is on the minus strand). VCF-style (leftmost placement, unchanged base first): chr6-52059944-TC-T. GRCh37 (hg19) VCF-style: chr6-51924742-TC-T.
Other names: c.1216del, p.Glu406fs (NM_170724.3); short protein forms E406fs.
Identifiers: ClinVar variation 1726364 (VCV001726364.2), dbSNP rs2533400757, ClinGen allele CA2580075612.